The following is an entry in ClinVar:

NM_000038.6(APC):c.4848A>C (p.Lys1616Asn)

Gene: APC (APC regulator of Wnt signaling pathway; plus strand). Cytogenetic location: 5q22.2.
Variant type: single nucleotide variant.
Coding change: c.4848A>C on transcript NM_000038.6 (MANE Select); coding-DNA position 4848, A replaced by C.
Protein change: p.Lys1616Asn; replaces lysine 1616 with asparagine.
Molecular consequence: missense variant. On other transcripts: non-coding transcript variant (2).
Genome position (GRCh38, 1-based): chr5:112,840,442, A>C. VCF-style: chr5-112840442-A-C. GRCh37 (hg19) VCF-style: chr5-112176139-A-C.
Other names: c.4848A>C, p.Lys1616Asn (NM_001127510.3, NM_001354895.2, NM_001407450.1); c.4794A>C, p.Lys1598Asn (NM_001127511.3); c.4902A>C, p.Lys1634Asn (NM_001354896.2, NM_001407447.1, NM_001407448.1 and 1 more transcripts); c.4878A>C, p.Lys1626Asn (NM_001354897.2); c.4773A>C, p.Lys1591Asn (NM_001354898.2); c.4764A>C, p.Lys1588Asn (NM_001354899.2); c.4725A>C, p.Lys1575Asn (NM_001354900.2); c.4671A>C, p.Lys1557Asn (NM_001354901.2, NM_001407453.1); and 11 more; short protein forms K1456N, K1515N, K1557N, K1609N, K1634N, K1333N, K1525N, K1575N.
Identifiers: ClinVar variation 2587042 (VCV002587042.2), dbSNP rs2149925396, ClinGen allele CA16031953.

ClinVar aggregate classification (germline): Uncertain significance (1 of 4 stars; one submission).

Conditions:
Hereditary cancer-predisposing syndrome. Also called: Hereditary neoplastic syndrome; Tumor predisposition; Hereditary Cancer Syndrome; Neoplastic Syndromes, Hereditary. Identifiers: Orphanet 140162, MedGen C0027672, MeSH D009386, MONDO:0015356.

Submission:

Ambry Genetics
Classification: Uncertain significance for Hereditary cancer-predisposing syndrome. Last evaluated: 2023-09-06. Review status: criteria provided, single submitter. Criteria: Ambry Variant Classification Scheme 2023. Collection method: clinical testing. Allele origin: germline.
Comment: The p.K1616N variant (also known as c.4848A>C), located in coding exon 15 of the APC gene, results from an A to C substitution at nucleotide position 4848. The lysine at codon 1616 is replaced by asparagine, an amino acid with similar properties. This amino acid position is conserved. In addition, in silico predictors for this gene do not accurately predict pathogenicity. Since supporting evidence is limited at this time, the clinical significance of this alteration remains unclear.